The following is an entry in ClinVar:

ClinVar aggregate classification (germline): Likely benign. Review status: criteria provided, multiple submitters, no conflicts (2 of 4 stars). 3 submissions from 3 submitters: Likely benign (2). 1 of the submissions does not count toward it. Last evaluated 2026-01-03.

Conditions:
SPINT2-related disorder. Also called: SPINT2-related condition.

Allele frequency attached by ClinVar (database versions not stated): gnomAD 0.00006 and 0.00011; TOPMed 0.00008; gnomAD exomes 0.00017; ExAC 0.00019; 1000 Genomes Project 30x 0.00031; 1000 Genomes Project 0.00040.

Submissions (3):

Labcorp Genetics (formerly Invitae), Labcorp
Classification: Likely benign. Last evaluated: 2026-01-03. Review status: criteria provided, single submitter. Criteria: Invitae Variant Classification Sherloc (09022015). Collection method: clinical testing. Allele origin: germline.

Blueprint Genetics
Classification: Likely benign. Last evaluated: 2024-10-24. Review status: criteria provided, single submitter. Criteria: ACMG Guidelines, 2015. Collection method: clinical testing. Allele origin: germline.

PreventionGenetics, part of Exact Sciences
Classification: Likely benign for SPINT2-related condition. Last evaluated: 2020-01-02. Review status: no assertion criteria provided. Collection method: clinical testing. Allele origin: germline. Not counted in ClinVar's aggregate classification.
Comment: This variant is classified as likely benign based on ACMG/AMP sequence variant interpretation guidelines (Richards et al. 2015 PMID: 25741868, with internal and published modifications).

NM_021102.4(SPINT2):c.593-9C>T

Gene: SPINT2 (serine peptidase inhibitor, Kunitz type 2; plus strand). Cytogenetic location: 19q13.2.
Variant type: single nucleotide variant.
Coding change: c.593-9C>T on transcript NM_021102.4 (MANE Select); 9 bases into the intron before coding-DNA position 593, C replaced by T.
Molecular consequence: intron variant.
Genome position (GRCh38, 1-based): chr19:38,291,831, C>T. VCF-style: chr19-38291831-C-T. GRCh37 (hg19) VCF-style: chr19-38782471-C-T.
Other names: c.422-9C>T (NM_001166103.2).
Identifiers: ClinVar variation 753749 (VCV000753749.12), dbSNP rs538522427, ClinGen allele CA9411570.